The following is an entry in ClinVar:

ClinVar aggregate classification (germline): Uncertain significance. Review status: criteria provided, multiple submitters, no conflicts (2 of 4 stars). 5 submissions from 5 submitters: Uncertain significance (4). 1 of the submissions does not count toward it. Last evaluated 2025-09-24.

Conditions:
Fanconi anemia (FA). Also called: Fanconi's anemia. Identifiers: Orphanet 84, MedGen C0015625, MeSH D005199, MONDO:0019391.
FANCM-related disorder. Also called: FANCM-related condition.
Spermatogenic failure 28. Identifiers: MedGen C4748117, MONDO:0054732, OMIM 618086.
Premature ovarian failure 15. Identifiers: MedGen C4748170, MONDO:0054862, OMIM 618096.

Allele frequency attached by ClinVar (database versions not stated): ExAC 0.00005; gnomAD exomes 0.00005 and 0.00013; TOPMed 0.00005; gnomAD 0.00007; 1000 Genomes Project 30x 0.00016; 1000 Genomes Project 0.00020.
gnomAD v4.1: 199 of 1,611,734 alleles (0.012%); highest among the groups gnomAD compares: Non-Finnish European, 0.016%; no homozygotes.

Submissions (5):

Labcorp Genetics (formerly Invitae), Labcorp
Classification: Uncertain significance for Fanconi anemia. Last evaluated: 2025-09-24. Review status: criteria provided, single submitter. Criteria: Invitae Variant Classification Sherloc (09022015). Collection method: clinical testing. Allele origin: germline.
Comment: This sequence change replaces tyrosine, which is neutral and polar, with phenylalanine, which is neutral and non-polar, at codon 1984 of the FANCM protein (p.Tyr1984Phe). This variant is present in population databases (rs202101508, gnomAD 0.01%). This missense change has been observed in individual(s) with head and neck cancer (PMID: 34598035). ClinVar contains an entry for this variant (Variation ID: 857023). An algorithm developed to predict the effect of missense changes on protein structure and function (PolyPhen-2) suggests that this variant is likely to be disruptive. In summary, the available evidence is currently insufficient to determine the role of this variant in disease. Therefore, it has been classified as a Variant of Uncertain Significance.

GeneDx
Classification: Uncertain significance. Last evaluated: 2025-03-14. Review status: criteria provided, single submitter. Criteria: GeneDx Variant Classification Process June 2021. Collection method: clinical testing. Allele origin: germline. Affected: yes.
Comment: Not observed at significant frequency in large population cohorts (gnomAD); In silico analysis supports that this missense variant has a deleterious effect on protein structure/function; Identified in individuals with breast or head and neck cancers, but also in unaffected controls (PMID: 34598035, 33471991); This variant is associated with the following publications: (PMID: 33471991, 34598035)

Quest Diagnostics Nichols Institute San Juan Capistrano
Classification: Uncertain significance. Last evaluated: 2023-08-28. Review status: criteria provided, single submitter. Criteria: Quest Diagnostics criteria. Collection method: clinical testing. Allele origin: unknown.
Comment: In the published literature, this variant has been reported in an individual with head and neck cancer (PMID: 34598035 (2021)). In a large-scale breast cancer association study, the variant was observed in individuals with breast cancer as well as in unaffected individuals (PMID: 33471991 (2021), see also LOVD). The frequency of this variant in the general population, 0.00011 (14/128742 chromosomes (Genome Aggregation Database)), is uninformative in the assessment of its pathogenicity. Analysis of this variant using bioinformatics tools for the prediction of the effect of amino acid changes on protein structure and function yielded conflicting predictions that this variant is benign or damaging. Based on the available information, we are unable to determine the clinical significance of this variant.

Fulgent Genetics
Classification: Uncertain significance for Spermatogenic failure 28; Premature ovarian failure 15. Last evaluated: 2022-03-23. Review status: criteria provided, single submitter. Criteria: ACMG Guidelines, 2015. Collection method: clinical testing. Allele origin: unknown.

PreventionGenetics, part of Exact Sciences
Classification: Uncertain significance for FANCM-related condition. Last evaluated: 2024-09-25. Review status: no assertion criteria provided. Collection method: clinical testing. Allele origin: germline. Not counted in ClinVar's aggregate classification.
Comment: The FANCM c.5951A>T variant is predicted to result in the amino acid substitution p.Tyr1984Phe. This variant was reported in an individual with head and neck carcinomas, who also carried variants in PMS2, NEIL1, and RTEL1 (Table 2, Cury et al 2021. PubMed ID: 34598035). This variant is reported in 0.011% of alleles in individuals of European (Non-Finnish) descent in gnomAD. In ClinVar, this variant is interpreted as uncertain.  At this time, the clinical significance of this variant is uncertain due to the absence of conclusive functional and genetic evidence.

Literature cited by the submitters: PubMed 34598035 (cited by Labcorp Genetics (formerly Invitae), Labcorp and Quest Diagnostics Nichols Institute San Juan Capistrano); PubMed 33471991 (cited by Quest Diagnostics Nichols Institute San Juan Capistrano).

NM_020937.4(FANCM):c.5951A>T (p.Tyr1984Phe)

Gene: FANCM (FA complementation group M; plus strand). Cytogenetic location: 14q21.2.
Variant type: single nucleotide variant.
Coding change: c.5951A>T on transcript NM_020937.4 (MANE Select); coding-DNA position 5951, A replaced by T.
Protein change: p.Tyr1984Phe; replaces tyrosine 1984 with phenylalanine.
Molecular consequence: missense variant.
Genome position (GRCh38, 1-based): chr14:45,198,878, A>T. VCF-style: chr14-45198878-A-T. GRCh37 (hg19) VCF-style: chr14-45668081-A-T.
Other names: c.5873A>T, p.Tyr1958Phe (NM_001308133.2); c.5951A>T (NM_020937.3); short protein forms Y1984F, Y1958F.
Identifiers: ClinVar variation 857023 (VCV000857023.20), dbSNP rs202101508, ClinGen allele CA7170090.